The following is an entry in ClinVar:

ClinVar aggregate classification (germline): Likely benign (1 of 4 stars; one submission).

Submission:

CeGaT Center for Human Genetics Tuebingen
Classification: Likely benign. Last evaluated: 2026-06-01. Review status: criteria provided, single submitter. Criteria: CeGaT Center For Human Genetics Tuebingen Variant Classification Criteria Version 2. Collection method: clinical testing. Allele origin: germline. Affected: yes. Observed: 1 variant allele.
Comment: BRWD3: PM2:Supporting, BP4, BP7

NM_153252.5(BRWD3):c.4101T>C (p.Asp1367=)

Gene: BRWD3 (bromodomain and WD repeat domain containing 3; minus strand). Cytogenetic location: Xq21.1.
Variant type: single nucleotide variant.
Coding change: c.4101T>C on transcript NM_153252.5 (MANE Select); coding-DNA position 4101, T replaced by C.
Protein change: p.Asp1367=; no amino-acid change (aspartic acid 1367 retained).
Molecular consequence: synonymous variant.
Genome position (GRCh38, 1-based): chrX:80,684,142, A>G on the plus strand (T>C on the coding strand, the complement: BRWD3 is on the minus strand). VCF-style: chrX-80684142-A-G. GRCh37 (hg19) VCF-style: chrX-79939641-A-G.
Other names: c.3951T>C, p.Asp1317= (NM_001441339.1).
Identifiers: ClinVar variation 4874365 (VCV004874365.2).
Genomic context (GRCh38, chrX:80,684,142, plus strand): 5'-AGGACTACCATAGTTTCCTGCTTCCAAAGTTTCTTTCACAGTGCTGAAGTCCACAGGAGT[A>G]TCTATAACATCTTGATAATCCTACAAAGAAGAATGTGTTATTAAATACTGTATAGCAATA-3'
Protein context (NP_694984.5, residues 1357-1377): SLSEDYQDVI[Asp1367=]TPVDFSTVKE